The following is an entry in ClinVar:

NM_001134831.2(AHI1):c.99_110dup (p.Leu37_Val38insLysLysLysLeu)

Gene: AHI1 (Abelson helper integration site 1; minus strand). Cytogenetic location: 6q23.3.
Variant type: Duplication.
Coding change: c.99_110dup on transcript NM_001134831.2 (MANE Select); coding-DNA positions 99 to 110, 12 bases duplicated (GAAGAAAAAACT).
Protein change: p.Leu37_Val38insLysLysLysLeu.
Molecular consequence: inframe insertion.
Genome position (GRCh38, 1-based): chr6:135,490,648-135,490,659, AGTTTTTTCTTC duplicated on the plus strand (GAAGAAAAAACT on the coding strand, the reverse complement: AHI1 is on the minus strand); duplicating any 12 consecutive bases within chr6:135,490,648-135,490,670 gives the same sequence; the c. name uses the placement nearest the transcript's 3' end. VCF-style (leftmost placement, unchanged base first): chr6-135490647-A-AAGTTTTTTCTTC. GRCh37 (hg19) VCF-style: chr6-135811785-A-AAGTTTTTTCTTC.
Other names: c.99_110dup, p.Leu37_Val38insLysLysLysLeu (NM_001134830.2, NM_001134832.2, NM_001350503.2 and 2 more transcripts).
Identifiers: ClinVar variation 5004540 (VCV005004540.1).

ClinVar aggregate classification (germline): Uncertain significance (1 of 4 stars; one submission).

Conditions:
Joubert syndrome 3 (JBTS3). Also called: AHI1-related Ciliopathy. Identifiers: Orphanet 220493, MedGen C1837713, MONDO:0012078, OMIM 608629.

Submission:

Myriad Genetics, Inc.
Classification: Uncertain significance for Joubert syndrome 3. Last evaluated: 2026-03-17. Review status: criteria provided, single submitter. Criteria: Myriad Autosomal Dominant, Autosomal Recessive and X-Linked Classification Criteria (2023). Collection method: clinical testing. Allele origin: unknown.
Comment: NM_001134831.1(AHI1):c.99_110dup12(K34_L37dup) is an in-frame insertion classified as a variant of uncertain significance in the context of Joubert syndrome, AHI1-related. K34_L37dup has not been observed in cases with relevant disease. Relevant functional assessments of this variant are not available in the literature. K34_L37dup has not been observed in referenced population frequency databases. In summary, there is insufficient evidence to classify NM_001134831.1(AHI1):c.99_110dup12(K34_L37dup) as pathogenic or benign. Please note: this variant was assessed in the context of healthy population screening.